The following is an entry in ClinVar:

NM_001267550.2(TTN):c.10391A>C (p.Lys3464Thr)

Gene: TTN (titin; minus strand). Cytogenetic location: 2q31.2.
Variant type: single nucleotide variant.
Coding change: c.10391A>C on transcript NM_001267550.2 (MANE Select); coding-DNA position 10391, A replaced by C.
Protein change: p.Lys3464Thr; replaces lysine 3464 with threonine.
Molecular consequence: missense variant. On other transcripts: intron variant (5).
Genome position (GRCh38, 1-based): chr2:178,757,829, T>G on the plus strand (A>C on the coding strand, the complement: TTN is on the minus strand). VCF-style: chr2-178757829-T-G. GRCh37 (hg19) VCF-style: chr2-179622556-T-G.
Other names: c.10253A>C, p.Lys3418Thr (NM_133432.3); c.10165+1155A>C (NM_003319.4); c.10166-1032A>C (NM_133437.4); c.10303+1155A>C (NM_133378.4, NM_001256850.1, NM_133379.5); short protein forms K3464T, K3418T.
Identifiers: ClinVar variation 535514 (VCV000535514.10), dbSNP rs1553970272, ClinGen allele CA349672555.

ClinVar aggregate classification (germline): Uncertain significance. Review status: criteria provided, multiple submitters, no conflicts (2 of 4 stars). 2 submissions from 2 submitters: Uncertain significance (2). Last evaluated 2020-10-01.

Conditions:
Autosomal recessive limb-girdle muscular dystrophy type 2J (LGMDR10). Also called: Limb-girdle muscular dystrophy, type 2J; MUSCULAR DYSTROPHY, LIMB-GIRDLE, AUTOSOMAL RECESSIVE 10. Identifiers: Orphanet 140922, MedGen C1837342, MONDO:0012127, OMIM 608807.
Dilated cardiomyopathy 1G (CMD1G). Identifiers: Orphanet 154, MedGen C1858763, MONDO:0011400, OMIM 604145.

Allele frequency attached by ClinVar (database versions not stated): gnomAD exomes 0.00001.
gnomAD v4.1: 10 of 1,603,464 alleles (0.00062%); highest among the groups gnomAD compares: Non-Finnish European, 0.00085%; no homozygotes.

Submissions (2):

ARUP Laboratories, Molecular Genetics and Genomics, ARUP Laboratories
Classification: Uncertain significance. Last evaluated: 2020-10-01. Review status: criteria provided, single submitter. Criteria: ARUP Molecular Germline Variant Investigation Process 2021. Collection method: clinical testing. Allele origin: germline.
Comment: The TTN c.10391A>C; p.Lys3464Thr variant (rsID; ClinVar Variation ID: 535514) is rare in the general population (<0.2% allele frequency in the Genome Aggregation Database) and has not been reported in the medical literature in association with dilated cardiomyopathy (DCM) or other TTN-related disease. The clinical relevance of rare missense variants in this gene, which are identified on average once per individual sequenced in affected populations (Herman 2012), is not well understood. Yet, evidence suggests that the vast majority of such missense variants do not contribute to the clinical outcome of DCM (Begay 2015). Thus, the clinical significance of the p.Lys3464Thr variant cannot be determined with certainty. References: Begay RL et al. Role of Titin Missense Variants in Dilated Cardiomyopathy. J Am Heart Assoc. 2015 Nov 13;4(11). Herman DS et al. Truncations of titin causing dilated cardiomyopathy. N Engl J Med. 2012 Feb 16;366(7):619-28. Linke WA and Hamdani N. Gigantic business: titin properties and function through thick and thin. Circ Res 2014; 114(6): 1052-1068.

Labcorp Genetics (formerly Invitae), Labcorp
Classification: Uncertain significance for Dilated cardiomyopathy 1G; Autosomal recessive limb-girdle muscular dystrophy type 2J. Last evaluated: 2017-11-06. Review status: criteria provided, single submitter. Criteria: Invitae Variant Classification Sherloc (09022015). Collection method: clinical testing. Allele origin: germline.